The following is an entry in ClinVar:

ClinVar aggregate classification (germline): Pathogenic (0 of 4 stars; one submission).

Conditions:
Adenoid cystic carcinoma. Also called: Adenocystic carcinoma. Identifiers: MedGen C0010606, MeSH D003528, MONDO:0004971.

Submission:

Genome Sciences Centre, British Columbia Cancer Agency
Classification: Pathogenic for Adenoid cystic carcinoma. Last evaluated: 2018-02-01. Review status: no assertion criteria provided. Collection method: research. Allele origin: somatic. Inheritance: Somatic mutation. Affected: yes. Observed: 1 variant allele.
Comment: Gene fusion known to be causative in this disease type.

t(6;9)(q23.3;p22.3)

Genes: NFIB (nuclear factor I B; minus strand), MYB (MYB proto-oncogene, transcription factor; plus strand). Cytogenetic location: 9p23.
Variant type: Translocation.
Identifiers: ClinVar variation 495138 (VCV000495138.1).